The following is an entry in ClinVar:

NC_000005.9:g.(?_176662802)_(176662966_?)dup

Gene: NSD1 (nuclear receptor binding SET domain protein 1; plus strand). Cytogenetic location: 5q35.3.
Variant type: Duplication.
Identifiers: ClinVar variation 1067882 (VCV001067882.3).

ClinVar aggregate classification (germline): Likely pathogenic (1 of 4 stars; one submission).

Conditions:
Sotos syndrome (SOTOS). Also called: Sotos' syndrome; CHROMOSOME 5q35 DELETION SYNDROME; SOTOS SYNDROME 1; Distinctive facial appearance, overgrowth in childhood, and learning disabilities or delayed development; CEREBRAL GIGANTISM. Identifiers: Orphanet 821, MedGen C0175695, MONDO:0019349, OMIM 117550.

Submission:

Labcorp Genetics (formerly Invitae), Labcorp
Classification: Likely pathogenic. Last evaluated: 2020-03-10. Review status: criteria provided, single submitter. Criteria: Invitae Variant Classification Sherloc (09022015). Collection method: clinical testing. Allele origin: germline.
Comment: This variant results in a copy number gain of the genomic region encompassing exon 6 of the NSD1 gene. While the exact position of this variant cannot be determined from this data, sub-genic copy number gains are generally in tandem (PMID: 25640679) and may result in an absent or disrupted protein product. This variant has not been reported in the literature in individuals with NSD1-related conditions. Loss-of-function variants in NSD1 are known to be pathogenic (PMID: 12464997, 14571271, 15942875, 16247291). In summary, the currently available evidence indicates that the variant is pathogenic, but additional data are needed to prove that conclusively. Therefore, this variant has been classified as Likely Pathogenic.

Literature cited by the submitters: PubMed 25640679; PubMed 12464997; PubMed 14571271; PubMed 15942875; PubMed 16247291.